The following is an entry in ClinVar:

ClinVar aggregate classification (germline): Uncertain significance (1 of 4 stars; one submission).

Allele frequency attached by ClinVar (database versions not stated): TOPMed below 0.00001.
gnomAD v4.1: 1 of 1,605,598 alleles (0.000062%); highest among the groups gnomAD compares: Non-Finnish European, 0.000085%; no homozygotes.

Submission:

Labcorp Genetics (formerly Invitae), Labcorp
Classification: Uncertain significance. Last evaluated: 2023-08-24. Review status: criteria provided, single submitter. Criteria: Invitae Variant Classification Sherloc (09022015). Collection method: clinical testing. Allele origin: germline.
Comment: In summary, the available evidence is currently insufficient to determine the role of this variant in disease. Therefore, it has been classified as a Variant of Uncertain Significance. Algorithms developed to predict the effect of sequence changes on RNA splicing suggest that this variant is not likely to affect RNA splicing. Experimental studies and prediction algorithms are not available or were not evaluated, and the functional significance of this variant is currently unknown. ClinVar contains an entry for this variant (Variation ID: 1356719). This variant has not been reported in the literature in individuals affected with COL18A1-related conditions. This variant is not present in population databases (gnomAD no frequency). This sequence change replaces proline, which is neutral and non-polar, with alanine, which is neutral and non-polar, at codon 178 of the COL18A1 protein (p.Pro178Ala). The COL18A1 gene has multiple clinically relevant transcripts. This variant occurs in alternate transcript NM_030582.3, and corresponds to NM_130445.3:c.107-12180 C>G in the primary transcript.

NM_001379500.1(COL18A1):c.107-12180C>G

Gene: COL18A1 (collagen type XVIII alpha 1 chain; plus strand). Cytogenetic location: 21q22.3.
Variant type: single nucleotide variant.
Coding change: c.107-12180C>G on transcript NM_001379500.1 (MANE Select); 12180 bases into the intron before coding-DNA position 107, C replaced by G.
Molecular consequence: intron variant. On other transcripts: missense variant (2).
Genome position (GRCh38, 1-based): chr21:45,456,062, C>G. VCF-style: chr21-45456062-C-G. GRCh37 (hg19) VCF-style: chr21-46875976-C-G.
Other names: c.532C>G, p.Pro178Ala (NM_030582.4, NM_130444.3); short protein forms P178A.
Identifiers: ClinVar variation 1356719 (VCV001356719.6), dbSNP rs773218086, ClinGen allele CA410506307.
Genomic context (GRCh38, chr21:45,456,062, plus strand): 5'-TCCAGCACCCCCCAGGAGAATGGGACCACTCTCTGGCCCAGCCGTGGCATTCCTAGCTCT[C>G]CGGGCGCCCACACAACCGAGGCTGGCACCTTGCCTGCACCCACCCCATCGCCTCCCTCCC-3'